The following is an entry in ClinVar:

NM_001163435.3(TBCK):c.1695G>T (p.Leu565Phe)

Gene: TBCK (TBC1 domain containing kinase; minus strand). Cytogenetic location: 4q24.
Variant type: single nucleotide variant.
Coding change: c.1695G>T on transcript NM_001163435.3 (MANE Select); coding-DNA position 1695, G replaced by T.
Protein change: p.Leu565Phe; replaces leucine 565 with phenylalanine.
Molecular consequence: missense variant.
Genome position (GRCh38, 1-based): chr4:106,230,442, C>A on the plus strand (G>T on the coding strand, the complement: TBCK is on the minus strand). VCF-style: chr4-106230442-C-A. GRCh37 (hg19) VCF-style: chr4-107151599-C-A.
Other names: c.1695G>T (NM_001163435.1); c.1695G>T, p.Leu565Phe (NM_001163436.4); c.1578G>T, p.Leu526Phe (NM_001163437.3); c.1179G>T, p.Leu393Phe (NM_001290768.2); c.1506G>T, p.Leu502Phe (NM_033115.5); short protein forms L565F, L393F, L502F, L526F.
Identifiers: ClinVar variation 1515307 (VCV001515307.10), dbSNP rs760539039, ClinGen allele CA3034962.

ClinVar aggregate classification (germline): Uncertain significance. Review status: criteria provided, multiple submitters, no conflicts (2 of 4 stars). 3 submissions from 3 submitters: Uncertain significance (3). Last evaluated 2025-01-06.

Conditions:
Inborn genetic diseases. Identifiers: MedGen C0950123, MeSH D030342.

Allele frequency attached by ClinVar (database versions not stated): gnomAD exomes below 0.00001 and 0.00002; ExAC 0.00001; gnomAD 0.00001; TOPMed 0.00001.
gnomAD v4.1: 33 of 1,595,112 alleles (0.0021%); highest among the groups gnomAD compares: Non-Finnish European, 0.0027%; 1 homozygote.

Submissions (3):

Labcorp Genetics (formerly Invitae), Labcorp
Classification: Uncertain significance. Last evaluated: 2025-01-06. Review status: criteria provided, single submitter. Criteria: Invitae Variant Classification Sherloc (09022015). Collection method: clinical testing. Allele origin: germline.
Comment: This sequence change replaces leucine, which is neutral and non-polar, with phenylalanine, which is neutral and non-polar, at codon 565 of the TBCK protein (p.Leu565Phe). This variant is present in population databases (rs760539039, gnomAD 0.0009%). This variant has not been reported in the literature in individuals affected with TBCK-related conditions. ClinVar contains an entry for this variant (Variation ID: 1515307). Invitae Evidence Modeling of protein sequence and biophysical properties (such as structural, functional, and spatial information, amino acid conservation, physicochemical variation, residue mobility, and thermodynamic stability) indicates that this missense variant is not expected to disrupt TBCK protein function with a negative predictive value of 80%. In summary, the available evidence is currently insufficient to determine the role of this variant in disease. Therefore, it has been classified as a Variant of Uncertain Significance.

Ambry Genetics
Classification: Uncertain significance for Inborn genetic diseases. Last evaluated: 2024-07-22. Review status: criteria provided, single submitter. Criteria: Ambry Variant Classification Scheme 2023. Collection method: clinical testing. Allele origin: germline.

Blueprint Genetics
Classification: Uncertain significance. Last evaluated: 2023-09-07. Review status: criteria provided, single submitter. Criteria: ACMG Guidelines, 2015. Collection method: clinical testing. Allele origin: germline.